The following is an entry in ClinVar:

ClinVar aggregate classification (germline): Uncertain significance (1 of 4 stars; one submission).

Allele frequency attached by ClinVar (database versions not stated): gnomAD exomes 0.00001.
gnomAD v4.1: 3 of 1,611,644 alleles (0.00019%); highest among the groups gnomAD compares: Admixed American, 0.0033%; no homozygotes.

Submission:

Labcorp Genetics (formerly Invitae), Labcorp
Classification: Uncertain significance. Last evaluated: 2021-08-06. Review status: criteria provided, single submitter. Criteria: Invitae Variant Classification Sherloc (09022015). Collection method: clinical testing. Allele origin: germline.
Comment: This sequence change replaces proline with serine at codon 424 of the CBX2 protein (p.Pro424Ser). The proline residue is moderately conserved and there is a moderate physicochemical difference between proline and serine. This variant is present in population databases (rs782023433, ExAC 0.01%). This variant has not been reported in the literature in individuals affected with CBX2-related conditions. Algorithms developed to predict the effect of missense changes on protein structure and function output the following: SIFT: "Deleterious"; PolyPhen-2: "Benign"; Align-GVGD: "Class C0". The serine amino acid residue is found in multiple mammalian species, which suggests that this missense change does not adversely affect protein function. In summary, the available evidence is currently insufficient to determine the role of this variant in disease. Therefore, it has been classified as a Variant of Uncertain Significance.

NM_005189.3(CBX2):c.1270C>T (p.Pro424Ser)

Gene: CBX2 (chromobox 2; plus strand). Cytogenetic location: 17q25.3.
Variant type: single nucleotide variant.
Coding change: c.1270C>T on transcript NM_005189.3 (MANE Select); coding-DNA position 1270, C replaced by T.
Protein change: p.Pro424Ser; replaces proline 424 with serine.
Molecular consequence: missense variant.
Genome position (GRCh38, 1-based): chr17:79,784,713, C>T. VCF-style: chr17-79784713-C-T. GRCh37 (hg19) VCF-style: chr17-77758512-C-T.
Other names: short protein forms P424S.
Identifiers: ClinVar variation 1440028 (VCV001440028.6), dbSNP rs782023433, ClinGen allele CA8811463.